The following is an entry in ClinVar:

NM_014516.4(CNOT3):c.1511C>T (p.Pro504Leu)

Gene: CNOT3 (CCR4-NOT transcription complex subunit 3; plus strand). Cytogenetic location: 19q13.42.
Variant type: single nucleotide variant.
Coding change: c.1511C>T on transcript NM_014516.4 (MANE Select); coding-DNA position 1511, C replaced by T.
Protein change: p.Pro504Leu; replaces proline 504 with leucine.
Molecular consequence: missense variant.
Genome position (GRCh38, 1-based): chr19:54,149,664, C>T. VCF-style: chr19-54149664-C-T. GRCh37 (hg19) VCF-style: chr19-54653399-C-T.
Other names: short protein forms P504L.
Identifiers: ClinVar variation 3342970 (VCV003342970.1).

ClinVar aggregate classification (germline): Uncertain significance (1 of 4 stars; one submission).

gnomAD v4.1: 1 of 1,614,058 alleles (0.000062%); no homozygotes.

Submission:

GeneDx
Classification: Uncertain significance. Last evaluated: 2024-03-15. Review status: criteria provided, single submitter. Criteria: GeneDx Variant Classification Process June 2021. Collection method: clinical testing. Allele origin: germline. Affected: yes.
Comment: Not observed at significant frequency in large population cohorts (gnomAD); In silico analysis supports that this missense variant does not alter protein structure/function; Has not been previously published as pathogenic or benign to our knowledge